The following is an entry in ClinVar:

NM_003640.5(ELP1):c.3834C>G (p.Tyr1278Ter)

Gene: ELP1 (elongator acetyltransferase complex subunit 1; minus strand). Cytogenetic location: 9q31.3.
Variant type: single nucleotide variant.
Coding change: c.3834C>G on transcript NM_003640.5 (MANE Select); coding-DNA position 3834, C replaced by G.
Protein change: p.Tyr1278Ter; replaces tyrosine 1278 with a stop codon.
Molecular consequence: nonsense.
Genome position (GRCh38, 1-based): chr9:108,878,016, G>C on the plus strand (C>G on the coding strand, the complement: ELP1 is on the minus strand). VCF-style: chr9-108878016-G-C. GRCh37 (hg19) VCF-style: chr9-111640296-G-C.
Other names: c.3492C>G, p.Tyr1164Ter (NM_001318360.2); c.2787C>G, p.Tyr929Ter (NM_001330749.2); short protein forms Y1164*, Y929*, Y1278*.
Identifiers: ClinVar variation 2741693 (VCV002741693.3), dbSNP rs755563190, ClinGen allele CA374410563.

ClinVar aggregate classification (germline): Pathogenic (1 of 4 stars; one submission).

gnomAD v4.1: 1 of 1,614,188 alleles (0.000062%); highest among the groups gnomAD compares: Non-Finnish European, 0.000085%; no homozygotes.

Submission:

Labcorp Genetics (formerly Invitae), Labcorp
Classification: Pathogenic. Last evaluated: 2023-10-06. Review status: criteria provided, single submitter. Criteria: Invitae Variant Classification Sherloc (09022015). Collection method: clinical testing. Allele origin: germline.
Comment: This sequence change creates a premature translational stop signal (p.Tyr1278*) in the ELP1 gene. It is expected to result in an absent or disrupted protein product. Loss-of-function variants in ELP1 are known to be pathogenic (PMID: 18303054, 24173031). This variant is not present in population databases (gnomAD no frequency). This variant has not been reported in the literature in individuals affected with ELP1-related conditions. For these reasons, this variant has been classified as Pathogenic.

Literature cited by the submitters: PubMed 18303054; PubMed 24173031.